The following is an entry in ClinVar:

NM_001278512.2(AP3B2):c.1579G>T (p.Ala527Ser)

Genes: AP3B2 (adaptor related protein complex 3 subunit beta 2; minus strand), CPEB1-AS1 (CPEB1 antisense RNA 1; plus strand). Cytogenetic location: 15q25.2.
Variant type: single nucleotide variant.
Coding change: c.1579G>T on transcript NM_001278512.2 (MANE Select); coding-DNA position 1579, G replaced by T.
Protein change: p.Ala527Ser; replaces alanine 527 with serine.
Molecular consequence: missense variant.
Genome position (GRCh38, 1-based): chr15:82,676,547, C>A on the plus strand (G>T on the coding strand, the complement: AP3B2 is on the minus strand). VCF-style: chr15-82676547-C-A. GRCh37 (hg19) VCF-style: chr15-83345299-C-A.
Other names: c.1483G>T, p.Ala495Ser (NM_001278511.2); c.1579G>T, p.Ala527Ser (NM_004644.5); short protein forms A495S, A527S.
Identifiers: ClinVar variation 2228557 (VCV002228557.2), dbSNP rs755052322, ClinGen allele CA7700176.

ClinVar aggregate classification (germline): Uncertain significance (1 of 4 stars; one submission).

Conditions:
Inborn genetic diseases. Identifiers: MedGen C0950123, MeSH D030342.

Allele frequency attached by ClinVar (database versions not stated): gnomAD exomes below 0.00001; ExAC 0.00002.
gnomAD v4.1: 5 of 1,613,994 alleles (0.00031%); highest among the groups gnomAD compares: South Asian, 0.0055%; no homozygotes.

Submission:

Ambry Genetics
Classification: Uncertain significance for Inborn genetic diseases. Last evaluated: 2020-12-31. Review status: criteria provided, single submitter. Criteria: Ambry Variant Classification Scheme 2023. Collection method: clinical testing. Allele origin: germline.
Comment: The c.1579G>T (p.A527S) alteration is located in exon 14 (coding exon 14) of the AP3B2 gene. This alteration results from a G to T substitution at nucleotide position 1579, causing the alanine (A) at amino acid position 527 to be replaced by a serine (S). The p.A527S alteration is predicted to be tolerated by in silico analysis. Based on insufficient or conflicting evidence, the clinical significance of this alteration remains unclear.